The following is an entry in ClinVar:

NM_001004052.1(OR52B2):c.729T>A (p.Cys243Ter)

Gene: OR52B2 (olfactory receptor family 52 subfamily B member 2; minus strand). Cytogenetic location: 11p15.4.
Variant type: single nucleotide variant.
Coding change: c.729T>A on transcript NM_001004052.1 (MANE Select); coding-DNA position 729, T replaced by A.
Protein change: p.Cys243Ter; replaces cysteine 243 with a stop codon.
Molecular consequence: nonsense.
Genome position (GRCh38, 1-based): chr11:6,169,598, A>T on the plus strand (T>A on the coding strand, the complement: OR52B2 is on the minus strand). VCF-style: chr11-6169598-A-T. GRCh37 (hg19) VCF-style: chr11-6190828-A-T.
Other names: short protein forms C243*.
Identifiers: ClinVar variation 2641547 (VCV002641547.24), dbSNP rs190537696, ClinGen allele CA5849668.

ClinVar aggregate classification (germline): Likely benign (1 of 4 stars; one submission).

Allele frequency attached by ClinVar (database versions not stated): gnomAD exomes 0.00007; ExAC 0.00034; gnomAD 0.00075; TOPMed 0.00075; ESP Exome Variant Server 0.00104; 1000 Genomes Project 30x 0.00141; 1000 Genomes Project 0.00160.

Submission:

CeGaT Center for Human Genetics Tuebingen
Classification: Likely benign. Last evaluated: 2023-04-01. Review status: criteria provided, single submitter. Criteria: CeGaT Center For Human Genetics Tuebingen Variant Classification Criteria Version 2. Collection method: clinical testing. Allele origin: germline. Affected: yes. Observed: 1 variant allele.
Comment: OR52B2: BS2